The following is an entry in ClinVar:

ClinVar aggregate classification (germline): Uncertain significance (1 of 4 stars; one submission).

Submission:

Labcorp Genetics (formerly Invitae), Labcorp
Classification: Uncertain significance. Last evaluated: 2019-03-27. Review status: criteria provided, single submitter. Criteria: Invitae Variant Classification Sherloc (09022015). Collection method: clinical testing. Allele origin: germline.
Comment: In summary, the available evidence is currently insufficient to determine the role of this variant in disease. Therefore, it has been classified as a Variant of Uncertain Significance. Nucleotide substitutions within the consensus splice site are a relatively common cause of aberrant splicing (PMID: 17576681, 9536098). Algorithms developed to predict the effect of sequence changes on RNA splicing suggest that this variant may disrupt the consensus splice site, but this prediction has not been confirmed by published transcriptional studies. This variant has not been reported in the literature in individuals with RPS20-related conditions. This variant is not present in population databases (ExAC no frequency). This sequence change falls in intron 3 of the RPS20 gene. It does not directly change the encoded amino acid sequence of the RPS20 protein, but it affects a nucleotide within the consensus splice site of the intron.

Literature cited by the submitters: PubMed 17576681; PubMed 9536098.

NM_001023.4(RPS20):c.178-3C>A

Gene: RPS20 (ribosomal protein S20; minus strand). Cytogenetic location: 8q12.1.
Variant type: single nucleotide variant.
Coding change: c.178-3C>A on transcript NM_001023.4 (MANE Select); 3 bases into the intron before coding-DNA position 178, C replaced by A.
Molecular consequence: intron variant.
Genome position (GRCh38, 1-based): chr8:56,073,275, G>T on the plus strand (C>A on the coding strand, the complement: RPS20 is on the minus strand). VCF-style: chr8-56073275-G-T. GRCh37 (hg19) VCF-style: chr8-56985834-G-T.
Other names: c.178-3C>A (NM_001146227.3).
Identifiers: ClinVar variation 838768 (VCV000838768.9), dbSNP rs878869472, ClinGen allele CA177248877.